The following is an entry in ClinVar:

NM_001127178.3(PIGG):c.2452G>C (p.Ala818Pro)

Gene: PIGG (phosphatidylinositol glycan anchor biosynthesis class G (EMM blood group); plus strand). Cytogenetic location: 4p16.3.
Variant type: single nucleotide variant.
Coding change: c.2452G>C on transcript NM_001127178.3 (MANE Select); coding-DNA position 2452, G replaced by C.
Protein change: p.Ala818Pro; replaces alanine 818 with proline.
Molecular consequence: missense variant. On other transcripts: non-coding transcript variant (6).
Genome position (GRCh38, 1-based): chr4:530,626, G>C. VCF-style: chr4-530626-G-C. GRCh37 (hg19) VCF-style: chr4-524415-G-C.
Other names: c.2185G>C, p.Ala729Pro (NM_001289051.2, NM_001345986.2); c.2053G>C, p.Ala685Pro (NM_001289052.2); c.2161G>C, p.Ala721Pro (NM_001345987.2); c.1423G>C, p.Ala475Pro (NM_001345988.2); c.919G>C, p.Ala307Pro (NM_001345990.2, NM_001345991.2); c.1354G>C, p.Ala452Pro (NM_001345994.2); c.2428G>C, p.Ala810Pro (NM_017733.5); short protein forms A307P, A452P, A729P, A810P, A721P, A818P, A475P, A685P.
Identifiers: ClinVar variation 2750735 (VCV002750735.3), dbSNP rs2475053079, ClinGen allele CA355910187.
Genomic context (GRCh38, chr4:530,626, plus strand): 5'-TATAGTGGATTAGTTCTTCTGGCAGCCTTGCTCTTTAGACCACATAATCTTCCGGTCTTA[G>C]CATTTAGCCTCTTGATTCAGACTCTAATGACTAAATTCATCTGGAAGCCCCTGAGACACG-3'
Protein context (NP_001120650.1, residues 808-828): LFRPHNLPVL[Ala818Pro]FSLLIQTLMT

ClinVar aggregate classification (germline): Uncertain significance (1 of 4 stars; one submission).

Conditions:
Intellectual disability, autosomal recessive 53 (NEDHSCA). Also called: NEURODEVELOPMENTAL DISORDER WITH OR WITHOUT HYPOTONIA, SEIZURES, AND CEREBELLAR ATROPHY; GLYCOSYLPHOSPHATIDYLINOSITOL BIOSYNTHESIS DEFECT 13; Mental retardation, autosomal recessive 53. Identifiers: Orphanet 488635, MedGen C4310794, MONDO:0014832, OMIM 616917.

Submission:

Labcorp Genetics (formerly Invitae), Labcorp
Classification: Uncertain significance for Intellectual disability, autosomal recessive 53. Last evaluated: 2023-09-06. Review status: criteria provided, single submitter. Criteria: Invitae Variant Classification Sherloc (09022015). Collection method: clinical testing. Allele origin: germline.
Comment: Algorithms developed to predict the effect of sequence changes on RNA splicing suggest that this variant may create or strengthen a splice site. Advanced modeling of protein sequence and biophysical properties (such as structural, functional, and spatial information, amino acid conservation, physicochemical variation, residue mobility, and thermodynamic stability) performed at Invitae indicates that this missense variant is not expected to disrupt PIGG protein function. This variant has not been reported in the literature in individuals affected with PIGG-related conditions. This variant is not present in population databases (gnomAD no frequency). This sequence change replaces alanine, which is neutral and non-polar, with proline, which is neutral and non-polar, at codon 818 of the PIGG protein (p.Ala818Pro). In summary, the available evidence is currently insufficient to determine the role of this variant in disease. Therefore, it has been classified as a Variant of Uncertain Significance.